The following is an entry in ClinVar:

ClinVar aggregate classification (germline): Conflicting classifications of pathogenicity. Review status: criteria provided, conflicting classifications (1 of 4 stars). 3 submissions from 3 submitters: Uncertain significance (2); Likely benign (1). Last evaluated 2025-05-15.

Conditions:
LAMA2-related muscular dystrophy (LAMA2-RD). Also called: Laminin alpha 2-related dystrophy. Identifiers: MedGen C5679788, MONDO:0100228.
Inborn genetic diseases. Identifiers: MedGen C0950123, MeSH D030342.

Allele frequency attached by ClinVar (database versions not stated): ExAC 0.00002; gnomAD exomes 0.00002 and 0.00003; gnomAD 0.00003; TOPMed 0.00003.
gnomAD v4.1: 40 of 1,611,054 alleles (0.0025%); highest among the groups gnomAD compares: East Asian, 0.0045%; no homozygotes.

Submissions (3):

Ambry Genetics
Classification: Likely benign for Inborn genetic diseases. Last evaluated: 2025-05-15. Review status: criteria provided, single submitter. Criteria: Ambry Variant Classification Scheme 2023. Collection method: clinical testing. Allele origin: germline.

Revvity Omics, Revvity
Classification: Uncertain significance. Last evaluated: 2024-07-05. Review status: criteria provided, single submitter. Criteria: ACMG Guidelines, 2015. Collection method: clinical testing. Allele origin: germline.

Labcorp Genetics (formerly Invitae), Labcorp
Classification: Uncertain significance for LAMA2-related muscular dystrophy. Last evaluated: 2022-07-26. Review status: criteria provided, single submitter. Criteria: Invitae Variant Classification Sherloc (09022015). Collection method: clinical testing. Allele origin: germline.
Comment: This sequence change replaces arginine, which is basic and polar, with glutamine, which is neutral and polar, at codon 1687 of the LAMA2 protein (p.Arg1687Gln). This variant is present in population databases (rs767209477, gnomAD 0.005%). This variant has not been reported in the literature in individuals affected with LAMA2-related conditions. ClinVar contains an entry for this variant (Variation ID: 543862). Advanced modeling of protein sequence and biophysical properties (such as structural, functional, and spatial information, amino acid conservation, physicochemical variation, residue mobility, and thermodynamic stability) performed at Invitae indicates that this missense variant is not expected to disrupt LAMA2 protein function. In summary, the available evidence is currently insufficient to determine the role of this variant in disease. Therefore, it has been classified as a Variant of Uncertain Significance.

NM_000426.4(LAMA2):c.5060G>A (p.Arg1687Gln)

Gene: LAMA2 (laminin subunit alpha 2; plus strand). Cytogenetic location: 6q22.33.
Variant type: single nucleotide variant.
Coding change: c.5060G>A on transcript NM_000426.4 (MANE Select); coding-DNA position 5060, G replaced by A.
Protein change: p.Arg1687Gln; replaces arginine 1687 with glutamine.
Molecular consequence: missense variant.
Genome position (GRCh38, 1-based): chr6:129,383,222, G>A. VCF-style: chr6-129383222-G-A. GRCh37 (hg19) VCF-style: chr6-129704367-G-A.
Other names: c.5060G>A, p.Arg1687Gln (NM_001079823.2); short protein forms R1687Q.
Identifiers: ClinVar variation 543862 (VCV000543862.6), dbSNP rs767209477, ClinGen allele CA3993759.